The following is an entry in ClinVar:

ClinVar aggregate classification (germline): Uncertain significance (1 of 4 stars; one submission).

Submission:

Labcorp Genetics (formerly Invitae), Labcorp
Classification: Uncertain significance. Last evaluated: 2025-11-16. Review status: criteria provided, single submitter. Criteria: Invitae Variant Classification Sherloc (09022015). Collection method: clinical testing. Allele origin: germline.
Comment: This sequence change replaces threonine, which is neutral and polar, with alanine, which is neutral and non-polar, at codon 81 of the ALPK3 protein (p.Thr81Ala). This variant is not present in population databases (gnomAD no frequency). This variant has not been reported in the literature in individuals affected with ALPK3-related conditions. An algorithm developed to predict the effect of missense changes on protein structure and function outputs the following: PolyPhen-2: "Benign". The alanine amino acid residue is found in multiple mammalian species, which suggests that this missense change does not adversely affect protein function. In summary, the available evidence is currently insufficient to determine the role of this variant in disease. Therefore, it has been classified as a Variant of Uncertain Significance.

NC_000015.10:g.84817087A>G

Gene: ALPK3 (alpha kinase 3; plus strand). Cytogenetic location: 15q25.3.
Variant type: single nucleotide variant.
Genome position: GRCh38 VCF-style: chr15-84817087-A-G. GRCh37 (hg19) VCF-style: chr15-85360318-A-G.
Identifiers: ClinVar variation 4713783 (VCV004713783.1).